The following is an entry in ClinVar:

ClinVar aggregate classification (germline): Uncertain significance (1 of 4 stars; one submission).

Submission:

Labcorp Genetics (formerly Invitae), Labcorp
Classification: Uncertain significance. Last evaluated: 2021-10-20. Review status: criteria provided, single submitter. Criteria: Invitae Variant Classification Sherloc (09022015). Collection method: clinical testing. Allele origin: germline.
Comment: In summary, the available evidence is currently insufficient to determine the role of this variant in disease. Therefore, it has been classified as a Variant of Uncertain Significance. Advanced modeling of protein sequence and biophysical properties (such as structural, functional, and spatial information, amino acid conservation, physicochemical variation, residue mobility, and thermodynamic stability) performed at Invitae indicates that this missense variant is expected to disrupt ABCC8 protein function. This variant has not been reported in the literature in individuals affected with ABCC8-related conditions. This variant is not present in population databases (ExAC no frequency). This sequence change replaces leucine with proline at codon 218 of the ABCC8 protein (p.Leu218Pro). The leucine residue is highly conserved and there is a moderate physicochemical difference between leucine and proline.

NM_000352.6(ABCC8):c.653T>C (p.Leu218Pro)

Gene: ABCC8 (ATP binding cassette subfamily C member 8; minus strand). Cytogenetic location: 11p15.1.
Variant type: single nucleotide variant.
Coding change: c.653T>C on transcript NM_000352.6 (MANE Select); coding-DNA position 653, T replaced by C.
Protein change: p.Leu218Pro; replaces leucine 218 with proline.
Molecular consequence: missense variant. On other transcripts: non-coding transcript variant (1).
Genome position (GRCh38, 1-based): chr11:17,461,752, A>G on the plus strand (T>C on the coding strand, the complement: ABCC8 is on the minus strand). VCF-style: chr11-17461752-A-G. GRCh37 (hg19) VCF-style: chr11-17483299-A-G.
Other names: c.653T>C, p.Leu218Pro (NM_001287174.3, NM_001351295.2, NM_001351296.2 and 1 more transcripts); short protein forms L218P.
Identifiers: ClinVar variation 1421872 (VCV001421872.6), dbSNP rs2133680172, ClinGen allele CA379778856.
Genomic context (GRCh38, chr11:17,461,752, plus strand): 5'-TTGATGAAGGCGTTCATCCACCAGTAGGTGCCTTTGGACAGCAGATTCACGAAGGGCTGC[A>G]GGAAGCGTACCCCCAGGTCTTGCAGGTCCTCGGGAGGCTTCACCTCCCTCGGTGTCTTGA-3'
Protein context (NP_000343.2, residues 208-228): EDLQDLGVRF[Leu218Pro]QPFVNLLSKG